The following is an entry in ClinVar:

ClinVar aggregate classification (germline): Uncertain significance (1 of 4 stars; one submission).

Submission:

Labcorp Genetics (formerly Invitae), Labcorp
Classification: Uncertain significance. Last evaluated: 2023-10-08. Review status: criteria provided, single submitter. Criteria: Invitae Variant Classification Sherloc (09022015). Collection method: clinical testing. Allele origin: germline.
Comment: This sequence change replaces alanine, which is neutral and non-polar, with threonine, which is neutral and polar, at codon 283 of the FAT4 protein (p.Ala283Thr). This variant is not present in population databases (gnomAD no frequency). This variant has not been reported in the literature in individuals affected with FAT4-related conditions. Advanced modeling of protein sequence and biophysical properties (such as structural, functional, and spatial information, amino acid conservation, physicochemical variation, residue mobility, and thermodynamic stability) performed at Invitae indicates that this missense variant is not expected to disrupt FAT4 protein function. In summary, the available evidence is currently insufficient to determine the role of this variant in disease. Therefore, it has been classified as a Variant of Uncertain Significance.

NM_001291303.3(FAT4):c.847G>A (p.Ala283Thr)

Gene: FAT4 (FAT atypical cadherin 4; plus strand). Cytogenetic location: 4q28.1.
Variant type: single nucleotide variant.
Coding change: c.847G>A on transcript NM_001291303.3 (MANE Select); coding-DNA position 847, G replaced by A.
Protein change: p.Ala283Thr; replaces alanine 283 with threonine.
Molecular consequence: missense variant.
Genome position (GRCh38, 1-based): chr4:125,317,258, G>A. VCF-style: chr4-125317258-G-A. GRCh37 (hg19) VCF-style: chr4-126238413-G-A.
Other names: c.847G>A, p.Ala283Thr (NM_001291285.3, NM_024582.6); short protein forms A283T.
Identifiers: ClinVar variation 2766982 (VCV002766982.3), dbSNP rs2530423670, ClinGen allele CA358116658.